The following is an entry in ClinVar:

ClinVar aggregate classification (germline): Uncertain significance (1 of 4 stars; one submission).

Conditions:
Hereditary cancer-predisposing syndrome. Also called: Neoplastic Syndromes, Hereditary; Tumor predisposition; Hereditary Cancer Syndrome; Hereditary neoplastic syndrome. Identifiers: Orphanet 140162, MedGen C0027672, MeSH D009386, MONDO:0015356.

Submission:

Ambry Genetics
Classification: Uncertain significance for Hereditary cancer-predisposing syndrome. Last evaluated: 2026-03-28. Review status: criteria provided, single submitter. Criteria: Ambry Variant Classification Scheme 2023. Collection method: clinical testing. Allele origin: germline.
Comment: The p.E1373G variant (also known as c.4118A>G), located in coding exon 10 of the BRCA1 gene, results from an A to G substitution at nucleotide position 4118. The glutamic acid at codon 1373 is replaced by glycine, an amino acid with similar properties. This amino acid position is not well conserved in available vertebrate species. In addition, the in silico prediction for this alteration is inconclusive. Based on the available evidence, the clinical significance of this variant remains unclear.

NM_007294.4(BRCA1):c.4118A>G (p.Glu1373Gly)

Gene: BRCA1 (BRCA1 DNA repair associated; minus strand). Cytogenetic location: 17q21.31.
Variant type: single nucleotide variant.
Coding change: c.4118A>G on transcript NM_007294.4 (MANE Select); coding-DNA position 4118, A replaced by G.
Protein change: p.Glu1373Gly; replaces glutamic acid 1373 with glycine.
Molecular consequence: missense variant.
Genome position (GRCh38, 1-based): chr17:43,091,011, T>C on the plus strand (A>G on the coding strand, the complement: BRCA1 is on the minus strand). VCF-style: chr17-43091011-T-C. GRCh37 (hg19) VCF-style: chr17-41243028-T-C.
Other names: c.806A>G, p.Glu269Gly (NM_001408402.1, NM_001408407.1, NM_001407992.1 and 13 more transcripts); c.809A>G, p.Glu270Gly (NM_001408403.1, NM_001408404.1, NM_001407993.1 and 17 more transcripts); c.803A>G, p.Glu268Gly (NM_001408406.1); c.800A>G, p.Glu267Gly (NM_001408408.1); c.731A>G, p.Glu244Gly (NM_001408409.1, NM_001408411.1, NM_001408412.1 and 2 more transcripts); c.668A>G, p.Glu223Gly (NM_001408410.1, NM_001408452.1, NM_001408453.1 and 11 more transcripts); c.728A>G, p.Glu243Gly (NM_001408413.1, NM_001408416.1); c.3977A>G, p.Glu1326Gly (NM_001407735.1, NM_001407736.1, NM_001407737.1 and 29 more transcripts); and 41 more; short protein forms E102G, E1077G, E1205G, E1245G, E1246G, E1261G, E1262G, E1284G.
Identifiers: ClinVar variation 4867703 (VCV004867703.1).